The following is an entry in ClinVar:

NM_000492.4(CFTR):c.1679+2T>G

Genes: CFTR (CF transmembrane conductance regulator; plus strand), LOC111674475 (CFTR intron 11 enhancer; plus strand). Cytogenetic location: 7q31.2.
Variant type: single nucleotide variant.
Coding change: c.1679+2T>G on transcript NM_000492.4 (MANE Select); the canonical splice donor site of the intron after coding-DNA position 1679, T replaced by G.
Molecular consequence: splice donor variant.
Genome position (GRCh38, 1-based): chr7:117,587,835, T>G. VCF-style: chr7-117587835-T-G. GRCh37 (hg19) VCF-style: chr7-117227889-T-G.
Identifiers: ClinVar variation 4818481 (VCV004818481.1).

ClinVar aggregate classification (germline): Pathogenic (1 of 4 stars; one submission).

Conditions:
CFTR-related disorder (CFTR-RD). Also called: CFTR-related disorders; CFTR-related condition. Identifiers: MedGen C5924204, MONDO:7770004.

Submission:

Natera, Inc.
Classification: Pathogenic for CFTR-related disorders. Last evaluated: 2025-09-19. Review status: criteria provided, single submitter. Criteria: Natera Variant Classification Schema (03/2026). Collection method: clinical testing. Allele origin: germline.
Comment: The c.1679+2T>G variant in CFTR is a canonical splice donor site variant predicted to affect pre-mRNA splicing, which may result in an abnormal transcript and altered protein product. This variant is expected to result in nonsense mediated decay, truncation, or a dysfunctional protein product. This variant is rare in the general population with a frequency below the threshold expected for the associated phenotype(s). Another variant at this same site results in an alteration predicted to cause a similar molecular effect has been observed in individual(s) with the associated phenotype. Given the available evidence, this variant is classified as Pathogenic.